The following is an entry in ClinVar:

NM_031433.4(MFRP):c.647G>A (p.Cys216Tyr)

Genes: C1QTNF5 (C1q and TNF related 5; minus strand), MFRP (membrane frizzled-related protein; minus strand). Cytogenetic location: 11q23.3.
Variant type: single nucleotide variant.
Coding change: c.647G>A on transcript NM_031433.4 (MANE Select); coding-DNA position 647, G replaced by A.
Protein change: p.Cys216Tyr; replaces cysteine 216 with tyrosine.
Molecular consequence: missense variant. On other transcripts: 5 prime UTR variant (1).
Genome position (GRCh38, 1-based): chr11:119,344,999, C>T on the plus strand (G>A on the coding strand, the complement: MFRP is on the minus strand). VCF-style: chr11-119344999-C-T. GRCh37 (hg19) VCF-style: chr11-119215709-C-T.
Other names: c.-1990G>A (NM_015645.5); short protein forms C216Y.
Identifiers: ClinVar variation 1019580 (VCV001019580.9), dbSNP rs778538964, ClinGen allele CA6320460.

ClinVar aggregate classification (germline): Uncertain significance (1 of 4 stars; one submission).

Conditions:
Isolated microphthalmia 5. Also called: Posterior Microphthalmia with Retinitis Pigmentosa, Foveoschisis, and Optic Disc Drusen. Identifiers: Orphanet 251279, MedGen C1970236, MONDO:0012605, OMIM 611040.

Allele frequency attached by ClinVar (database versions not stated): gnomAD exomes below 0.00001; ExAC 0.00003.
gnomAD v4.1: 1 of 1,604,328 alleles (0.000062%); highest among the groups gnomAD compares: Non-Finnish European, 0.000085%; no homozygotes.

Submission:

Labcorp Genetics (formerly Invitae), Labcorp
Classification: Uncertain significance for Isolated microphthalmia 5. Last evaluated: 2022-03-19. Review status: criteria provided, single submitter. Criteria: Invitae Variant Classification Sherloc (09022015). Collection method: clinical testing. Allele origin: germline.
Comment: This variant has not been reported in the literature in individuals affected with MFRP-related conditions. The frequency data for this variant in the population databases is considered unreliable, as metrics indicate poor data quality at this position in the gnomAD database. This sequence change replaces cysteine, which is neutral and slightly polar, with tyrosine, which is neutral and polar, at codon 216 of the MFRP protein (p.Cys216Tyr). ClinVar contains an entry for this variant (Variation ID: 1019580). In summary, the available evidence is currently insufficient to determine the role of this variant in disease. Therefore, it has been classified as a Variant of Uncertain Significance. Algorithms developed to predict the effect of missense changes on protein structure and function (SIFT, PolyPhen-2, Align-GVGD) all suggest that this variant is likely to be disruptive.